The following is an entry in ClinVar:

NM_000051.4(ATM):c.7645T>C (p.Ser2549Pro)

Genes: ATM (ATM serine/threonine kinase; plus strand), C11orf65 (chromosome 11 open reading frame 65; minus strand). Cytogenetic location: 11q22.3.
Variant type: single nucleotide variant.
Coding change: c.7645T>C on transcript NM_000051.4 (MANE Select); coding-DNA position 7645, T replaced by C.
Protein change: p.Ser2549Pro; replaces serine 2549 with proline.
Molecular consequence: missense variant. On other transcripts: intron variant (2).
Genome position (GRCh38, 1-based): chr11:108,331,894, T>C. VCF-style: chr11-108331894-T-C. GRCh37 (hg19) VCF-style: chr11-108202621-T-C.
Other names: c.7645T>C, p.Ser2549Pro (NM_001351834.2); c.641-22823A>G (NM_001330368.2); c.*38+3326A>G (NM_001351110.2); short protein forms S2549P.
Identifiers: ClinVar variation 1759956 (VCV001759956.7), dbSNP rs2547281518, ClinGen allele CA382560918.

ClinVar aggregate classification (germline): Uncertain significance. Review status: criteria provided, multiple submitters, no conflicts (2 of 4 stars). 2 submissions from 2 submitters: Uncertain significance (2). Last evaluated 2025-01-02.

Conditions:
Ataxia-telangiectasia syndrome (AT). Also called: Ataxia telangiectasia (A-T); LOUIS-BAR SYNDROME; Cerebello-oculocutaneous telangiectasia; Immunodeficiency with ataxia telangiectasia; Ataxia-telangiectasia, complementation group D; AT, COMPLEMENTATION GROUP C. Identifiers: Orphanet 100, MedGen C0004135, MONDO:0008840, OMIM 208900.
Hereditary cancer-predisposing syndrome. Also called: Hereditary neoplastic syndrome; Neoplastic Syndromes, Hereditary; Tumor predisposition; Hereditary Cancer Syndrome. Identifiers: Orphanet 140162, MedGen C0027672, MeSH D009386, MONDO:0015356.

Submissions (2):

Labcorp Genetics (formerly Invitae), Labcorp
Classification: Uncertain significance for Ataxia-telangiectasia syndrome. Last evaluated: 2025-01-02. Review status: criteria provided, single submitter. Criteria: Invitae Variant Classification Sherloc (09022015). Collection method: clinical testing. Allele origin: germline.
Comment: This sequence change replaces serine, which is neutral and polar, with proline, which is neutral and non-polar, at codon 2549 of the ATM protein (p.Ser2549Pro). This variant is not present in population databases (gnomAD no frequency). This variant has not been reported in the literature in individuals affected with ATM-related conditions. ClinVar contains an entry for this variant (Variation ID: 1759956). Invitae Evidence Modeling of protein sequence and biophysical properties (such as structural, functional, and spatial information, amino acid conservation, physicochemical variation, residue mobility, and thermodynamic stability) indicates that this missense variant is not expected to disrupt ATM protein function with a negative predictive value of 95%. In summary, the available evidence is currently insufficient to determine the role of this variant in disease. Therefore, it has been classified as a Variant of Uncertain Significance.

Ambry Genetics
Classification: Uncertain significance for Hereditary cancer-predisposing syndrome. Last evaluated: 2022-02-06. Review status: criteria provided, single submitter. Criteria: Ambry Variant Classification Scheme 2023. Collection method: clinical testing. Allele origin: germline.
Comment: The p.S2549P variant (also known as c.7645T>C), located in coding exon 51 of the ATM gene, results from a T to C substitution at nucleotide position 7645. The serine at codon 2549 is replaced by proline, an amino acid with similar properties. This amino acid position is conserved. In addition, the in silico prediction for this alteration is inconclusive. Since supporting evidence is limited at this time, the clinical significance of this alteration remains unclear.